The following is an entry in ClinVar:

ClinVar aggregate classification (germline): Uncertain significance. Review status: criteria provided, single submitter (1 of 4 stars). 2 submissions from 2 submitters: Uncertain significance (1). 1 of the submissions does not count toward it. Last evaluated 2022-07-25.

Conditions:
Peroxisome biogenesis disorder 4A (Zellweger) (PBD4A). Also called: Zellweger syndrome spectrum (PEX6-related). Identifiers: Orphanet 912, MedGen C3553936, MONDO:0013930, OMIM 614862. Disease mechanism: loss of function.
Peroxisome biogenesis disorder 4B (PBD4B). Also called: SPINOCEREBELLAR ATAXIA WITH BLINDNESS AND DEAFNESS 1. Identifiers: Orphanet 44, Orphanet 95433, MedGen C3553937, MONDO:0013931, OMIM 614863.
Peroxisome biogenesis disorder. Identifiers: Orphanet 79189, MedGen C1832200, MONDO:0019234. Disease mechanism: loss of function.

Submissions (2):

Labcorp Genetics (formerly Invitae), Labcorp
Classification: Uncertain significance for Peroxisome biogenesis disorder. Last evaluated: 2022-07-25. Review status: criteria provided, single submitter. Criteria: Invitae Variant Classification Sherloc (09022015). Collection method: clinical testing. Allele origin: germline.
Comment: This variant, c.254_259dup, results in the insertion of 2 amino acid(s) of the PEX6 protein (p.Ala85_Leu86dup), but otherwise preserves the integrity of the reading frame. This variant is not present in population databases (gnomAD no frequency). This variant has not been reported in the literature in individuals affected with PEX6-related conditions. ClinVar contains an entry for this variant (Variation ID: 553033). In summary, the available evidence is currently insufficient to determine the role of this variant in disease. Therefore, it has been classified as a Variant of Uncertain Significance.

Counsyl
Classification: Uncertain significance for Peroxisome biogenesis disorder 4A (Zellweger); Peroxisome biogenesis disorder 4B. Last evaluated: 2017-07-25. Review status: no assertion criteria provided. Collection method: clinical testing. Allele origin: unknown. Not counted in ClinVar's aggregate classification.

NM_000287.4(PEX6):c.254_259dup (p.Ala85_Leu86dup)

Gene: PEX6 (peroxisomal biogenesis factor 6; minus strand). Cytogenetic location: 6p21.1.
Variant type: Duplication.
Coding change: c.254_259dup on transcript NM_000287.4 (MANE Select); coding-DNA positions 254 to 259, 6 bases duplicated (CACTGG; older notation c.254_259dupCACTGG).
Protein change: p.Ala85_Leu86dup.
Molecular consequence: inframe insertion. On other transcripts: non-coding transcript variant (1).
Genome position (GRCh38, 1-based): chr6:42,978,892-42,978,897, CCAGTG duplicated on the plus strand (CACTGG on the coding strand, the reverse complement: PEX6 is on the minus strand); duplicating any 6 consecutive bases within chr6:42,978,892-42,978,901 gives the same sequence; the c. name uses the placement nearest the transcript's 3' end. VCF-style (leftmost placement, unchanged base first): chr6-42978891-C-CCCAGTG. GRCh37 (hg19) VCF-style: chr6-42946629-C-CCCAGTG.
Other names: c.254_259dup, p.Ala85_Leu86dup (NM_001316313.2).
Identifiers: ClinVar variation 553033 (VCV000553033.4), dbSNP rs1554128546, ClinGen allele CA658821904.